The following is an entry in ClinVar:

ClinVar aggregate classification (germline): Pathogenic (1 of 4 stars; one submission).

Submission:

Labcorp Genetics (formerly Invitae), Labcorp
Classification: Pathogenic. Last evaluated: 2020-11-01. Review status: criteria provided, single submitter. Criteria: Invitae Variant Classification Sherloc (09022015). Collection method: clinical testing. Allele origin: germline.
Comment: For these reasons, this variant has been classified as Pathogenic. This sequence change creates a premature translational stop signal (p.Lys251Argfs*16) in the CYP17A1 gene. It is expected to result in an absent or disrupted protein product. Loss-of-function variants in CYP17A1 are known to be pathogenic (PMID: 17192295, 20197673, 24140098). This variant is not present in population databases (ExAC no frequency). This variant has not been reported in the literature in individuals with CYP17A1-related conditions.

Literature cited by the submitters: PubMed 17192295; PubMed 20197673; PubMed 24140098.

NM_000102.4(CYP17A1):c.752del (p.Lys251fs)

Genes: CYP17A1 (cytochrome P450 family 17 subfamily A member 1; minus strand), CYP17A1-AS1 (CYP17A1 antisense RNA 1; plus strand). Cytogenetic location: 10q24.32.
Variant type: Deletion.
Coding change: c.752del on transcript NM_000102.4 (MANE Select); coding-DNA position 752, one base deleted (A; older notation c.752delA).
Protein change: p.Lys251fs; shifts the reading frame from lysine 251.
Molecular consequence: frameshift variant.
Genome position (GRCh38, 1-based): chr10:102,834,037, T deleted on the plus strand (A on the coding strand, the reverse complement: CYP17A1 is on the minus strand); the first of 2 consecutive T bases (chr10:102,834,037-102,834,038); deleting either gives the same sequence. VCF-style (leftmost placement, unchanged base first): chr10-102834036-CT-C. GRCh37 (hg19) VCF-style: chr10-104593793-CT-C.
Other names: short protein forms K251fs.
Identifiers: ClinVar variation 1412755 (VCV001412755.6), dbSNP rs2134083298, ClinGen allele CA2573145426.